The following is an entry in ClinVar:

ClinVar aggregate classification (germline): Uncertain significance (1 of 4 stars; one submission).

Conditions:
Mitochondrial complex V (ATP synthase) deficiency, nuclear type 2. Also called: ENCEPHALOCARDIOMYOPATHY, MITOCHONDRIAL, NEONATAL, DUE TO ATP SYNTHASE DEFICIENCY; MITOCHONDRIAL COMPLEX V (ATP SYNTHASE) DEFICIENCY, TMEM70 TYPE; Nuclear-Encoded ATPase Deficiency, TMEM70-Related. Identifiers: Orphanet 1194, MedGen C3279699, MONDO:0013546, OMIM 614052.

Submission:

Clinical Genomics Laboratory, Stanford Medicine
Classification: Uncertain significance for Mitochondrial complex V (ATP synthase) deficiency, nuclear type 2. Last evaluated: 2022-06-24. Review status: criteria provided, single submitter. Criteria: ACMG Guidelines, 2015. Collection method: clinical testing. Allele origin: germline. Observed: 1 variant allele, 1 heterozygote.
Comment: The p.Arg65Leu variant in the TMEM70 gene has not been previously reported in association with disease.This variant was absent from large population databases, including the Genome Aggregation Database. Computational tools predict that this variant does not impact protein function; however, the accuracy of in silico algorithms is limited. These data were assessed using the ACMG/AMP variant interpretation guidelines. In summary, the significance of the p.Arg65Leu variant is uncertain. Additional information is needed to resolve the significance of this variant. [ACMG evidence codes used: PM2; BP4]

NM_017866.6(TMEM70):c.194G>T (p.Arg65Leu)

Gene: TMEM70 (transmembrane protein 70; plus strand). Cytogenetic location: 8q21.11.
Variant type: single nucleotide variant.
Coding change: c.194G>T on transcript NM_017866.6 (MANE Select); coding-DNA position 194, G replaced by T.
Protein change: p.Arg65Leu; replaces arginine 65 with leucine.
Molecular consequence: missense variant. On other transcripts: non-coding transcript variant (1).
Genome position (GRCh38, 1-based): chr8:73,976,475, G>T. VCF-style: chr8-73976475-G-T. GRCh37 (hg19) VCF-style: chr8-74888710-G-T.
Other names: c.194G>T, p.Arg65Leu (NM_001040613.3); short protein forms R65L.
Identifiers: ClinVar variation 3765490 (VCV003765490.1).